The following is an entry in ClinVar:

NM_003919.3(SGCE):c.153C>G (p.Tyr51Ter)

Genes: CASD1 (CAS1 domain sialic acid O acetyltransferase 1; plus strand), SGCE (sarcoglycan epsilon; minus strand). Cytogenetic location: 7q21.3.
Variant type: single nucleotide variant.
Coding change: c.153C>G on transcript NM_003919.3 (MANE Select); coding-DNA position 153, C replaced by G.
Protein change: p.Tyr51Ter; replaces tyrosine 51 with a stop codon.
Molecular consequence: nonsense. On other transcripts: 5 prime UTR variant (2), intron variant (2).
Genome position (GRCh38, 1-based): chr7:94,629,798, G>C on the plus strand (C>G on the coding strand, the complement: SGCE is on the minus strand). VCF-style: chr7-94629798-G-C. GRCh37 (hg19) VCF-style: chr7-94259110-G-C.
Other names: c.153C>G, p.Tyr51Ter (NM_001099400.2, NM_001099401.2, NM_001346717.2); c.261C>G, p.Tyr87Ter (NM_001346713.2, NM_001346715.2); c.66C>G, p.Tyr22Ter (NM_001346719.2, NM_001362807.2); c.-121C>G (NM_001346720.2, NM_001362808.2); c.110-1439C>G (NM_001362809.2, NM_001301139.2); short protein forms Y22*, Y51*, Y87*.
Identifiers: ClinVar variation 1404117 (VCV001404117.6), dbSNP rs2116972912, ClinGen allele CA368239448.

ClinVar aggregate classification (germline): Pathogenic (1 of 4 stars; one submission).

Conditions:
Myoclonic dystonia 11 (DYT11). Also called: DYT-SGCE; Myoclonic dystonia; Dystonia 11; Dystonia, alcohol responsive; Hereditary essential myoclonus; SGCE Myoclonus-Dystonia. Identifiers: Orphanet 36899, MedGen C1834570, MONDO:0008044, OMIM 159900.

Submission:

Labcorp Genetics (formerly Invitae), Labcorp
Classification: Pathogenic for Myoclonic dystonia 11. Last evaluated: 2021-03-09. Review status: criteria provided, single submitter. Criteria: Invitae Variant Classification Sherloc (09022015). Collection method: clinical testing. Allele origin: germline.
Comment: For these reasons, this variant has been classified as Pathogenic. This sequence change creates a premature translational stop signal (p.Tyr51*) in the SGCE gene. It is expected to result in an absent or disrupted protein product. Loss-of-function variants in SGCE are known to be pathogenic (PMID: 12821748, 15389977, 17853490, 24297365). This variant is not present in population databases (ExAC no frequency). This variant has not been reported in the literature in individuals with SGCE-related conditions. Algorithms developed to predict the effect of sequence changes on RNA splicing suggest that this variant may create or strengthen a splice site, but this prediction has not been confirmed by published transcriptional studies.

Literature cited by the submitters: PubMed 12821748; PubMed 15389977; PubMed 17853490; PubMed 24297365.